The following is an entry in ClinVar:

NM_007315.4(STAT1):c.2144C>G (p.Ser715Cys)

Gene: STAT1 (signal transducer and activator of transcription 1; minus strand). Cytogenetic location: 2q32.2.
Variant type: single nucleotide variant.
Coding change: c.2144C>G on transcript NM_007315.4 (MANE Select); coding-DNA position 2144, C replaced by G.
Protein change: p.Ser715Cys; replaces serine 715 with cysteine.
Molecular consequence: missense variant. On other transcripts: intron variant (2).
Genome position (GRCh38, 1-based): chr2:190,974,924, G>C on the plus strand (C>G on the coding strand, the complement: STAT1 is on the minus strand). VCF-style: chr2-190974924-G-C. GRCh37 (hg19) VCF-style: chr2-191839650-G-C.
Other names: c.2084C>G, p.Ser695Cys (NM_001384880.1); c.2150C>G, p.Ser717Cys (NM_001384881.1); c.2138C>G, p.Ser713Cys (NM_001384882.1); c.2045C>G, p.Ser682Cys (NM_001384883.1); c.1985C>G, p.Ser662Cys (NM_001384885.1); c.2168C>G, p.Ser723Cys (NM_001384886.1); c.2051C>G, p.Ser684Cys (NM_001384887.1); c.2114C>G, p.Ser705Cys (NM_001384888.1); and 4 more; short protein forms S662C, S682C, S684C, S685C, S695C, S705C, S713C, S715C.
Identifiers: ClinVar variation 3761144 (VCV003761144.2).
Genomic context (GRCh38, chr2:190,974,924, plus strand): 5'-GACACCTCGTCAAACTCCTCAGGAGACATGGGGAGCAGGTTGTCTGTGGTCTGAAGTCTA[G>C]AAGGGTGACTAAAATGGGGAAAAAGAAAAGAGCAATGTCAACATCTGAGTGATGAAAGCA-3'
Protein context (NP_009330.1, residues 705-725): ELISVSEVHP[Ser715Cys]RLQTTDNLLP

ClinVar aggregate classification (germline): Uncertain significance (1 of 4 stars; one submission).

Conditions:
Mendelian susceptibility to mycobacterial diseases due to partial STAT1 deficiency. Also called: IMMUNODEFICIENCY 31A, MYCOBACTERIOSIS, AUTOSOMAL DOMINANT; STAT1 DEFICIENCY, AUTOSOMAL DOMINANT; Immunodeficiency 31a. Identifiers: Orphanet 319595, MedGen C4013950, MONDO:0013956, OMIM 614892.
Immunodeficiency 31B. Also called: STAT1 DEFICIENCY, AUTOSOMAL RECESSIVE; IMMUNODEFICIENCY 31B, MYCOBACTERIAL AND VIRAL INFECTIONS, AUTOSOMAL RECESSIVE. Identifiers: Orphanet 391311, MedGen C3151088, MONDO:0013427, OMIM 613796.
Autoimmune enteropathy and endocrinopathy - susceptibility to chronic infections syndrome. Also called: Immunodeficiency 31C, autosomal dominant; Immunodeficiency 31C. Identifiers: Orphanet 391487, MedGen C3279990, MONDO:0013599, OMIM 614162.

gnomAD v4.1: 1 of 1,614,022 alleles (0.000062%); highest among the groups gnomAD compares: Non-Finnish European, 0.000085%; no homozygotes.

Submission:

Labcorp Genetics (formerly Invitae), Labcorp
Classification: Uncertain significance for Mendelian susceptibility to mycobacterial diseases due to partial STAT1 deficiency; Immunodeficiency 31B; Autoimmune enteropathy and endocrinopathy - susceptibility to chronic infections syndrome. Last evaluated: 2024-05-15. Review status: criteria provided, single submitter. Criteria: Invitae Variant Classification Sherloc (09022015). Collection method: clinical testing. Allele origin: germline.
Comment: This sequence change replaces serine, which is neutral and polar, with cysteine, which is neutral and slightly polar, at codon 715 of the STAT1 protein (p.Ser715Cys). This variant is not present in population databases (gnomAD no frequency). This variant has not been reported in the literature in individuals affected with STAT1-related conditions. An algorithm developed to predict the effect of missense changes on protein structure and function (PolyPhen-2) suggests that this variant is likely to be tolerated. In summary, the available evidence is currently insufficient to determine the role of this variant in disease. Therefore, it has been classified as a Variant of Uncertain Significance.